The following is an entry in ClinVar:

NM_000465.4(BARD1):c.700G>A (p.Glu234Lys)

Gene: BARD1 (BRCA1 associated RING domain 1; minus strand). Cytogenetic location: 2q35.
Variant type: single nucleotide variant.
Coding change: c.700G>A on transcript NM_000465.4 (MANE Select); coding-DNA position 700, G replaced by A.
Protein change: p.Glu234Lys; replaces glutamic acid 234 with lysine.
Molecular consequence: missense variant. On other transcripts: non-coding transcript variant (2), intron variant (3).
Genome position (GRCh38, 1-based): chr2:214,781,174, C>T on the plus strand (G>A on the coding strand, the complement: BARD1 is on the minus strand). VCF-style: chr2-214781174-C-T. GRCh37 (hg19) VCF-style: chr2-215645898-C-T.
Other names: c.643G>A, p.Glu215Lys (NM_001282543.2); c.158+28238G>A (NM_001282548.2); c.215+15887G>A (NM_001282545.2); c.364+11123G>A (NM_001282549.2); c.700G>A (NM_000465.2); short protein forms E234K, E215K.
Identifiers: ClinVar variation 2748652 (VCV002748652.4), dbSNP rs905491643, ClinGen allele CA64788752.
Genomic context (GRCh38, chr2:214,781,174, plus strand): 5'-TCTGAGGACTGGAGATAACAGATGGTTGGCTACAGAAGGATACCAGCTTTTGCTTAGATT[C>T]CTCTTTGGAGTCAAATTCACCATCTTCTTTTTCTGCCTCTAAATTCCATTTTTGGTTGAT-3'
Protein context (NP_000456.2, residues 224-244): KEDGEFDSKE[Glu234Lys]SKQKLVSFCS

ClinVar aggregate classification (germline): Uncertain significance. Review status: criteria provided, multiple submitters, no conflicts (2 of 4 stars). 2 submissions from 2 submitters: Uncertain significance (2). Last evaluated 2025-02-26.

Conditions:
Hereditary cancer-predisposing syndrome. Also called: Hereditary Cancer Syndrome; Neoplastic Syndromes, Hereditary; Tumor predisposition; Hereditary neoplastic syndrome. Identifiers: Orphanet 140162, MedGen C0027672, MeSH D009386, MONDO:0015356.
Familial cancer of breast. Also called: hereditary breast carcinoma; Hereditary breast cancer; BREAST CANCER, FAMILIAL. Identifiers: Orphanet 227535, MedGen C0346153, MONDO:0016419, OMIM 114480. Disease mechanism: loss of function.

Submissions (2):

Ambry Genetics
Classification: Uncertain significance for Hereditary cancer-predisposing syndrome. Last evaluated: 2025-02-26. Review status: criteria provided, single submitter. Criteria: Ambry Variant Classification Scheme 2023. Collection method: clinical testing. Allele origin: germline.
Comment: The p.E234K variant (also known as c.700G>A), located in coding exon 4 of the BARD1 gene, results from a G to A substitution at nucleotide position 700. The glutamic acid at codon 234 is replaced by lysine, an amino acid with similar properties. This amino acid position is conserved. In addition, this alteration is predicted to be tolerated by in silico analysis. Based on the available evidence, the clinical significance of this variant remains unclear.

Labcorp Genetics (formerly Invitae), Labcorp
Classification: Uncertain significance for Familial cancer of breast. Last evaluated: 2023-07-31. Review status: criteria provided, single submitter. Criteria: Invitae Variant Classification Sherloc (09022015). Collection method: clinical testing. Allele origin: germline.
Comment: This variant has not been reported in the literature in individuals affected with BARD1-related conditions. Algorithms developed to predict the effect of missense changes on protein structure and function output the following: SIFT: "Not Available"; PolyPhen-2: "Benign"; Align-GVGD: "Not Available". The lysine amino acid residue is found in multiple mammalian species, which suggests that this missense change does not adversely affect protein function. In summary, the available evidence is currently insufficient to determine the role of this variant in disease. Therefore, it has been classified as a Variant of Uncertain Significance. This variant is not present in population databases (gnomAD no frequency). This sequence change replaces glutamic acid, which is acidic and polar, with lysine, which is basic and polar, at codon 234 of the BARD1 protein (p.Glu234Lys).